The following is an entry in ClinVar:

ClinVar aggregate classification (germline): Likely benign. Review status: criteria provided, single submitter (1 of 4 stars). 2 submissions from 2 submitters: Likely benign (1). 1 of the submissions does not count toward it. Last evaluated 2018-04-07.

Conditions:
COL12A1-related disorder. Also called: COL12A1-related condition.

Allele frequency attached by ClinVar (database versions not stated): gnomAD exomes below 0.00001; ExAC 0.00001; gnomAD 0.00001 and 0.00002; TOPMed 0.00001; 1000 Genomes Project 30x 0.00016.
gnomAD v4.1: 4 of 1,613,452 alleles (0.00025%); highest among the groups gnomAD compares: East Asian, 0.0089%; no homozygotes.

Submissions (2):

Labcorp Genetics (formerly Invitae), Labcorp
Classification: Likely benign. Last evaluated: 2018-04-07. Review status: criteria provided, single submitter. Criteria: Invitae Variant Classification Sherloc (09022015). Collection method: clinical testing. Allele origin: germline.

PreventionGenetics, part of Exact Sciences
Classification: Likely benign for COL12A1-related condition. Last evaluated: 2021-06-22. Review status: no assertion criteria provided. Collection method: clinical testing. Allele origin: germline. Not counted in ClinVar's aggregate classification.
Comment: This variant is classified as likely benign based on ACMG/AMP sequence variant interpretation guidelines (Richards et al. 2015 PMID: 25741868, with internal and published modifications).

NM_004370.6(COL12A1):c.4053T>C (p.Asp1351=)

Gene: COL12A1 (collagen type XII alpha 1 chain; minus strand). Cytogenetic location: 6q13.
Variant type: single nucleotide variant.
Coding change: c.4053T>C on transcript NM_004370.6 (MANE Select); coding-DNA position 4053, T replaced by C.
Protein change: p.Asp1351=; no amino-acid change (aspartic acid 1351 retained).
Molecular consequence: synonymous variant.
Genome position (GRCh38, 1-based): chr6:75,151,235, A>G on the plus strand (T>C on the coding strand, the complement: COL12A1 is on the minus strand). VCF-style: chr6-75151235-A-G. GRCh37 (hg19) VCF-style: chr6-75860951-A-G.
Other names: c.561T>C, p.Asp187= (NM_080645.3).
Identifiers: ClinVar variation 772487 (VCV000772487.5), dbSNP rs776829103, ClinGen allele CA3893549.